The following is an entry in ClinVar:

NM_001360.3(DHCR7):c.82C>T (p.Gln28Ter)

Gene: DHCR7 (7-dehydrocholesterol reductase; minus strand). Cytogenetic location: 11q13.4.
Variant type: single nucleotide variant.
Coding change: c.82C>T on transcript NM_001360.3 (MANE Select); coding-DNA position 82, C replaced by T.
Protein change: p.Gln28Ter; replaces glutamine 28 with a stop codon.
Molecular consequence: nonsense.
Genome position (GRCh38, 1-based): chr11:71,444,871, G>A on the plus strand (C>T on the coding strand, the complement: DHCR7 is on the minus strand). VCF-style: chr11-71444871-G-A. GRCh37 (hg19) VCF-style: chr11-71155917-G-A.
Other names: c.82C>T, p.Gln28Ter (NM_001163817.2); short protein forms Q28*.
Identifiers: ClinVar variation 370573 (VCV000370573.14), dbSNP rs756564881, ClinGen allele CA6162713.

ClinVar aggregate classification (germline): Pathogenic/Likely pathogenic. Review status: criteria provided, multiple submitters, no conflicts (2 of 4 stars). 5 submissions from 5 submitters: Pathogenic (1); Likely pathogenic (3). 1 of the submissions does not count toward it. Last evaluated 2025-09-19.

Conditions:
Smith-Lemli-Opitz syndrome (SLOS). Also called: 7-Dehydrocholesterol reductase deficiency; LETHAL ACRODYSGENITAL SYNDROME; RUTLEDGE LETHAL MULTIPLE CONGENITAL ANOMALY SYNDROME; POLYDACTYLY, SEX REVERSAL, RENAL HYPOPLASIA, AND UNILOBAR LUNG; RSH SYNDROME. Identifiers: Orphanet 818, MedGen C0175694, MONDO:0010035, OMIM 270400.

Allele frequency attached by ClinVar (database versions not stated): ExAC 0.00001; gnomAD exomes 0.00001.
gnomAD v4.1: 4 of 1,614,148 alleles (0.00025%); highest among the groups gnomAD compares: Middle Eastern, 0.033%; no homozygotes.

Submissions (5):

Natera, Inc.
Classification: Likely pathogenic for Smith-Lemli-Opitz syndrome. Last evaluated: 2025-09-19. Review status: criteria provided, single submitter. Criteria: Natera Variant Classification Schema (03/2026). Collection method: clinical testing. Allele origin: germline.
Comment: The c.82C>T variant in DHCR7 is a nonsense variant predicted to introduce a stop codon at amino acid 28. This variant is expected to result in nonsense mediated decay, truncation, or a dysfunctional protein product. This variant is rare in the general population with a frequency below the threshold expected for the associated phenotype(s). Given the available evidence, this variant is classified as Likely Pathogenic.

Fulgent Genetics
Classification: Likely pathogenic for Smith-Lemli-Opitz syndrome. Last evaluated: 2024-04-12. Review status: criteria provided, single submitter. Criteria: ACMG Guidelines, 2015. Collection method: clinical testing. Allele origin: germline.

Labcorp Genetics (formerly Invitae), Labcorp
Classification: Pathogenic for Smith-Lemli-Opitz syndrome. Last evaluated: 2024-02-11. Review status: criteria provided, single submitter. Criteria: Invitae Variant Classification Sherloc (09022015). Collection method: clinical testing. Allele origin: germline.
Comment: This sequence change creates a premature translational stop signal (p.Gln28*) in the DHCR7 gene. It is expected to result in an absent or disrupted protein product. Loss-of-function variants in DHCR7 are known to be pathogenic (PMID: 9634533, 10677299). This variant is present in population databases (rs756564881, gnomAD 0.002%). This variant has not been reported in the literature in individuals affected with DHCR7-related conditions. ClinVar contains an entry for this variant (Variation ID: 370573). For these reasons, this variant has been classified as Pathogenic.

Juno Genomics, Hangzhou Juno Genomics, Inc
Classification: Likely pathogenic for Smith-Lemli-Opitz syndrome. Review status: criteria provided, single submitter. Criteria: ACMG Guidelines, 2015. Collection method: clinical testing. Allele origin: germline.
Comment: Null variant in a gene where loss of function (LOF) is a known mechanism of disease.;Absent from controls (or at extremely low frequency if recessive) in Genome Aggregation Database.

Counsyl
Classification: Likely pathogenic for Smith-Lemli-Opitz syndrome. Last evaluated: 2016-02-29. Review status: no assertion criteria provided. Collection method: clinical testing. Allele origin: unknown. Not counted in ClinVar's aggregate classification.

Literature cited by the submitters: PubMed 9634533 (cited by Labcorp Genetics (formerly Invitae), Labcorp); PubMed 10677299 (cited by Labcorp Genetics (formerly Invitae), Labcorp).